The following is an entry in ClinVar:

ClinVar aggregate classification (germline): Uncertain significance (1 of 4 stars; one submission).

Allele frequency attached by ClinVar (database versions not stated): gnomAD 0.00001; gnomAD exomes 0.00001; TOPMed 0.00001.
gnomAD v4.1: 4 of 1,613,750 alleles (0.00025%); highest among the groups gnomAD compares: Middle Eastern, 0.033%; no homozygotes.

Submission:

Labcorp Genetics (formerly Invitae), Labcorp
Classification: Uncertain significance. Last evaluated: 2022-03-10. Review status: criteria provided, single submitter. Criteria: Invitae Variant Classification Sherloc (09022015). Collection method: clinical testing. Allele origin: germline.
Comment: This sequence change replaces threonine, which is neutral and polar, with asparagine, which is neutral and polar, at codon 320 of the CD55 protein (p.Thr320Asn). This variant is present in population databases (no rsID available, gnomAD 0.002%). This variant has not been reported in the literature in individuals affected with CD55-related conditions. Algorithms developed to predict the effect of missense changes on protein structure and function (SIFT, PolyPhen-2, Align-GVGD) all suggest that this variant is likely to be tolerated. In summary, the available evidence is currently insufficient to determine the role of this variant in disease. Therefore, it has been classified as a Variant of Uncertain Significance.

NM_000574.5(CD55):c.959C>A (p.Thr320Asn)

Gene: CD55 (CD55 molecule (Cromer blood group); plus strand). Cytogenetic location: 1q32.2.
Variant type: single nucleotide variant.
Coding change: c.959C>A on transcript NM_000574.5 (MANE Select); coding-DNA position 959, C replaced by A.
Protein change: p.Thr320Asn; replaces threonine 320 with asparagine.
Molecular consequence: missense variant. On other transcripts: non-coding transcript variant (1).
Genome position (GRCh38, 1-based): chr1:207,336,798, C>A. VCF-style: chr1-207336798-C-A. GRCh37 (hg19) VCF-style: chr1-207510143-C-A.
Other names: c.959C>A, p.Thr320Asn (NM_001114752.3, NM_001300902.2, NM_001300903.2 and 1 more transcripts); short protein forms T320N.
Identifiers: ClinVar variation 1971220 (VCV001971220.2), dbSNP rs1313739258, ClinGen allele CA344519162.